The following is an entry in ClinVar:

NM_001177316.2(SLC34A3):c.1779C>G (p.Ile593Met)

Genes: SLC34A3 (solute carrier family 34 member 3; plus strand), LOC130003098 (ATAC-STARR-seq lymphoblastoid silent region 20596; plus strand). Cytogenetic location: 9q34.3.
Variant type: single nucleotide variant.
Coding change: c.1779C>G on transcript NM_001177316.2 (MANE Select); coding-DNA position 1779, C replaced by G.
Protein change: p.Ile593Met; replaces isoleucine 593 with methionine.
Molecular consequence: missense variant.
Genome position (GRCh38, 1-based): chr9:137,236,395, C>G. VCF-style: chr9-137236395-C-G. GRCh37 (hg19) VCF-style: chr9-140130847-C-G.
Other names: c.1779C>G (NM_080877.2); c.1779C>G, p.Ile593Met (NM_001177317.2, NM_080877.3); short protein forms I593M.
Identifiers: ClinVar variation 1167719 (VCV001167719.11), dbSNP rs371619695, ClinGen allele CA5365040.

ClinVar aggregate classification (germline): Benign. Review status: criteria provided, single submitter (1 of 4 stars). 2 submissions from 2 submitters: Benign (1). 1 of the submissions does not count toward it. Last evaluated 2026-01-03.

Conditions:
SLC34A3-related disorder. Also called: SLC34A3-related condition.

Allele frequency attached by ClinVar (database versions not stated): 1000 Genomes Project 30x 0.00016; ESP Exome Variant Server 0.00037; gnomAD 0.00041 and 0.00042; gnomAD exomes 0.00127; ExAC 0.00227.

Submissions (2):

Labcorp Genetics (formerly Invitae), Labcorp
Classification: Benign. Last evaluated: 2026-01-03. Review status: criteria provided, single submitter. Criteria: Invitae Variant Classification Sherloc (09022015). Collection method: clinical testing. Allele origin: germline.

PreventionGenetics, part of Exact Sciences
Classification: Likely benign for SLC34A3-related condition. Last evaluated: 2020-07-20. Review status: no assertion criteria provided. Collection method: clinical testing. Allele origin: germline. Not counted in ClinVar's aggregate classification.
Comment: This variant is classified as likely benign based on ACMG/AMP sequence variant interpretation guidelines (Richards et al. 2015 PMID: 25741868, with internal and published modifications).